The following is an entry in ClinVar:

NM_000059.4(BRCA2):c.9135A>T (p.Leu3045Phe)

Gene: BRCA2 (BRCA2 DNA repair associated; plus strand). Cytogenetic location: 13q13.1.
Variant type: single nucleotide variant.
Coding change: c.9135A>T on transcript NM_000059.4 (MANE Select); coding-DNA position 9135, A replaced by T.
Protein change: p.Leu3045Phe; replaces leucine 3045 with phenylalanine.
Molecular consequence: missense variant.
Genome position (GRCh38, 1-based): chr13:32,380,024, A>T. VCF-style: chr13-32380024-A-T. GRCh37 (hg19) VCF-style: chr13-32954161-A-T.
Other names: c.9039A>T, p.Leu3013Phe (NM_001406719.1); c.9084A>T, p.Leu3028Phe (NM_001406720.1); c.4203A>T, p.Leu1401Phe (NM_001406721.1); c.2718A>T, p.Leu906Phe (NM_001406722.1); short protein forms L1401F, L3028F, L906F, L3013F, L3045F.
Identifiers: ClinVar variation 2094275 (VCV002094275.6), dbSNP rs876660349, ClinGen allele CA387757834.
Genomic context (GRCh38, chr13:32,380,024, plus strand): 5'-TATGGAATCTCCATATGTTGAATTTTTGTTTTGTTTTCTGTAGGTTTCAGATGAAATTTT[A>T]TTTCAGATTTACCAGCCACGGGAGCCCCTTCACTTCAGCAAATTTTTAGATCCAGACTTT-3'
Protein context (NP_000050.3, residues 3035-3055): YQQLPVSDEI[Leu3045Phe]FQIYQPREPL

ClinVar aggregate classification (germline): Uncertain significance. Review status: criteria provided, multiple submitters, no conflicts (2 of 4 stars). 4 submissions from 4 submitters: Uncertain significance (4). Last evaluated 2025-06-25.

Conditions:
Hereditary cancer-predisposing syndrome. Also called: Hereditary neoplastic syndrome; Neoplastic Syndromes, Hereditary; Tumor predisposition; Hereditary Cancer Syndrome. Identifiers: Orphanet 140162, MedGen C0027672, MeSH D009386, MONDO:0015356.
Hereditary breast ovarian cancer syndrome. Also called: Hereditary breast and/or ovarian cancer syndrome; Hereditary breast and ovarian cancer syndrome; Hereditary breast and ovarian cancer; Hereditary breast and ovarian cancer syndrome (HBOC); Breast and ovarian cancer; BRCA1- and BRCA2-Associated Hereditary Breast and Ovarian Cancer. Identifiers: Orphanet 145, MedGen C0677776, MeSH D061325, MONDO:0003582. Disease mechanism: loss of function.
Familial cancer of breast. Also called: Hereditary breast cancer; BREAST CANCER, FAMILIAL; hereditary breast carcinoma. Identifiers: Orphanet 227535, MedGen C0346153, MONDO:0016419, OMIM 114480. Disease mechanism: loss of function.

Submissions (4):

Labcorp Genetics (formerly Invitae), Labcorp
Classification: Uncertain significance for Hereditary breast ovarian cancer syndrome. Last evaluated: 2025-06-25. Review status: criteria provided, single submitter. Criteria: Invitae Variant Classification Sherloc (09022015). Collection method: clinical testing. Allele origin: germline.
Comment: This sequence change replaces leucine, which is neutral and non-polar, with phenylalanine, which is neutral and non-polar, at codon 3045 of the BRCA2 protein (p.Leu3045Phe). This variant is not present in population databases (gnomAD no frequency). This variant has not been reported in the literature in individuals affected with BRCA2-related conditions. ClinVar contains an entry for this variant (Variation ID: 2094275). Invitae Evidence Modeling of protein sequence and biophysical properties (such as structural, functional, and spatial information, amino acid conservation, physicochemical variation, residue mobility, and thermodynamic stability) indicates that this missense variant is not expected to disrupt BRCA2 protein function with a negative predictive value of 95%. RNA analysis performed to evaluate the impact of this missense change on mRNA splicing indicates it does not significantly alter splicing (internal data). In summary, the available evidence is currently insufficient to determine the role of this variant in disease. Therefore, it has been classified as a Variant of Uncertain Significance.

Quest Diagnostics Nichols Institute San Juan Capistrano
Classification: Uncertain significance. Last evaluated: 2024-07-08. Review status: criteria provided, single submitter. Criteria: Quest Diagnostics criteria. Collection method: clinical testing. Allele origin: unknown.
Comment: The BRCA2 c.9135A>T (p.Leu3045Phe) variant has not been reported in individuals with BRCA2-related conditions in the published literature. It also has not been reported in large, multi-ethnic general populations (Genome Aggregation Database). Analysis of this variant using bioinformatics tools for the prediction of the effect of amino acid changes on protein structure and function yielded conflicting predictions that this variant is benign or damaging. Based on the available information, we are unable to determine the clinical significance of this variant.

Ambry Genetics
Classification: Uncertain significance for Hereditary cancer-predisposing syndrome. Last evaluated: 2023-03-31. Review status: criteria provided, single submitter. Criteria: Ambry Variant Classification Scheme 2023. Collection method: clinical testing. Allele origin: germline.
Comment: The p.L3045F variant (also known as c.9135A>T), located in coding exon 23 of the BRCA2 gene, results from an A to T substitution at nucleotide position 9135. The leucine at codon 3045 is replaced by phenylalanine, an amino acid with highly similar properties. This amino acid position is conserved. In addition, the in silico prediction for this alteration is inconclusive. Since supporting evidence is limited at this time, the clinical significance of this alteration remains unclear.

Baylor Genetics
Classification: Uncertain significance for Familial cancer of breast. Last evaluated: 2021-11-05. Review status: criteria provided, single submitter. Criteria: ACMG Guidelines, 2015. Collection method: clinical testing. Allele origin: unknown.